The following is an entry in ClinVar:

NM_032237.5(POMK):c.115G>A (p.Asp39Asn)

Gene: POMK (protein O-mannose kinase; plus strand). Cytogenetic location: 8p11.21.
Variant type: single nucleotide variant.
Coding change: c.115G>A on transcript NM_032237.5 (MANE Select); coding-DNA position 115, G replaced by A.
Protein change: p.Asp39Asn; replaces aspartic acid 39 with asparagine.
Molecular consequence: missense variant.
Genome position (GRCh38, 1-based): chr8:43,103,663, G>A. VCF-style: chr8-43103663-G-A. GRCh37 (hg19) VCF-style: chr8-42958806-G-A.
Other names: c.115G>A, p.Asp39Asn (NM_001277971.2); short protein forms D39N.
Identifiers: ClinVar variation 1361583 (VCV001361583.8), dbSNP rs775170725, ClinGen allele CA4736198.

ClinVar aggregate classification (germline): Uncertain significance (1 of 4 stars; one submission).

Conditions:
Limb-girdle muscular dystrophy due to POMK deficiency. Also called: Muscular dystrophy-dystroglycanopathy (limb-girdle), type c, 12; MUSCULAR DYSTROPHY-DYSTROGLYCANOPATHY, LIMB-GIRDLE, POMK-RELATED. Identifiers: Orphanet 445110, MedGen C4015184, MONDO:0014489, OMIM 616094.
Muscular dystrophy-dystroglycanopathy (congenital with brain and eye anomalies), type a, 12 (MDDGA12). Also called: WALKER-WARBURG SYNDROME OR MUSCLE-EYE-BRAIN DISEASE, POMK-RELATED. Identifiers: Orphanet 899, MedGen C3808964, MONDO:0014101, OMIM 615249.

Allele frequency attached by ClinVar (database versions not stated): gnomAD exomes below 0.00001; TOPMed below 0.00001; gnomAD 0.00001; ExAC 0.00002.
gnomAD v4.1: 3 of 1,613,616 alleles (0.00019%); highest among the groups gnomAD compares: Admixed American, 0.0033%; no homozygotes.

Submission:

Labcorp Genetics (formerly Invitae), Labcorp
Classification: Uncertain significance for Muscular dystrophy-dystroglycanopathy (congenital with brain and eye anomalies), type a, 12; Limb-girdle muscular dystrophy due to POMK deficiency. Last evaluated: 2022-07-26. Review status: criteria provided, single submitter. Criteria: Invitae Variant Classification Sherloc (09022015). Collection method: clinical testing. Allele origin: germline.
Comment: In summary, the available evidence is currently insufficient to determine the role of this variant in disease. Therefore, it has been classified as a Variant of Uncertain Significance. Algorithms developed to predict the effect of missense changes on protein structure and function (SIFT, PolyPhen-2, Align-GVGD) all suggest that this variant is likely to be tolerated. This sequence change replaces aspartic acid, which is acidic and polar, with asparagine, which is neutral and polar, at codon 39 of the POMK protein (p.Asp39Asn). This variant is present in population databases (rs775170725, gnomAD 0.006%). This variant has not been reported in the literature in individuals affected with POMK-related conditions. ClinVar contains an entry for this variant (Variation ID: 1361583).